The following is an entry in ClinVar:

NM_001370259.2(MEN1):c.244G>A (p.Asp82Asn)

Gene: MEN1 (menin 1; minus strand). Cytogenetic location: 11q13.1.
Variant type: single nucleotide variant.
Coding change: c.244G>A on transcript NM_001370259.2 (MANE Select); coding-DNA position 244, G replaced by A.
Protein change: p.Asp82Asn; replaces aspartic acid 82 with asparagine.
Molecular consequence: missense variant.
Genome position (GRCh38, 1-based): chr11:64,809,866, C>T on the plus strand (G>A on the coding strand, the complement: MEN1 is on the minus strand). VCF-style: chr11-64809866-C-T. GRCh37 (hg19) VCF-style: chr11-64577338-C-T.
Other names: c.244G>A, p.Asp82Asn (NM_000244.4, NM_001370251.2, NM_001370260.2 and 9 more transcripts); short protein forms D82N.
Identifiers: ClinVar variation 1003513 (VCV001003513.8), dbSNP rs1419086083, ClinGen allele CA381187570.

ClinVar aggregate classification (germline): Uncertain significance (1 of 4 stars; one submission).

Conditions:
Multiple endocrine neoplasia, type 1 (MEN1). Also called: Endocrine adenomatosis multiple; MEN 1; MEN I; WERMER SYNDROME; MEA I. Identifiers: Orphanet 652, MedGen C0025267, MeSH D018761, MONDO:0007540, OMIM 131100.

Allele frequency attached by ClinVar (database versions not stated): gnomAD exomes below 0.00001.
gnomAD v4.1: 1 of 1,606,960 alleles (0.000062%); highest among the groups gnomAD compares: Non-Finnish European, 0.000085%; no homozygotes.

Submission:

Labcorp Genetics (formerly Invitae), Labcorp
Classification: Uncertain significance for Multiple endocrine neoplasia, type 1. Last evaluated: 2024-07-13. Review status: criteria provided, single submitter. Criteria: Invitae Variant Classification Sherloc (09022015). Collection method: clinical testing. Allele origin: germline.
Comment: This sequence change replaces aspartic acid, which is acidic and polar, with asparagine, which is neutral and polar, at codon 82 of the MEN1 protein (p.Asp82Asn). This variant is not present in population databases (gnomAD no frequency). This variant has not been reported in the literature in individuals affected with MEN1-related conditions. ClinVar contains an entry for this variant (Variation ID: 1003513). Advanced modeling of protein sequence and biophysical properties (such as structural, functional, and spatial information, amino acid conservation, physicochemical variation, residue mobility, and thermodynamic stability) performed at Invitae indicates that this missense variant is expected to disrupt MEN1 protein function with a positive predictive value of 95%. In summary, the available evidence is currently insufficient to determine the role of this variant in disease. Therefore, it has been classified as a Variant of Uncertain Significance.